The following is an entry in ClinVar:

ClinVar aggregate classification (germline): Uncertain significance. Review status: criteria provided, multiple submitters, no conflicts (2 of 4 stars). 2 submissions from 2 submitters: Uncertain significance (2). Last evaluated 2025-08-01.

Conditions:
Growth hormone insensitivity with immune dysregulation 1, autosomal recessive. Also called: GROWTH HORMONE INSENSITIVITY DUE TO POSTRECEPTOR DEFECT; LARON SYNDROME DUE TO POSTRECEPTOR DEFECT; Laron syndrome with immunodeficiency; GROWTH HORMONE INSENSITIVITY SYNDROME WITH IMMUNE DYSREGULATION 1, AUTOSOMAL RECESSIVE. Identifiers: Orphanet 220465, MedGen C5435698, MONDO:0100211, OMIM 245590.

Allele frequency attached by ClinVar (database versions not stated): ExAC 0.00001; gnomAD exomes 0.00001; gnomAD 0.00002; TOPMed 0.00002.
gnomAD v4.1: 9 of 1,613,914 alleles (0.00056%); highest among the groups gnomAD compares: African/African-American, 0.0013%; no homozygotes.

Submissions (2):

CeGaT Center for Human Genetics Tuebingen
Classification: Uncertain significance. Last evaluated: 2025-08-01. Review status: criteria provided, single submitter. Criteria: CeGaT Center For Human Genetics Tuebingen Variant Classification Criteria Version 2. Collection method: clinical testing. Allele origin: germline. Affected: yes. Observed: 2 variant alleles.
Comment: STAT5B: PM2

Labcorp Genetics (formerly Invitae), Labcorp
Classification: Uncertain significance for Growth hormone insensitivity with immune dysregulation 1, autosomal recessive. Last evaluated: 2024-02-26. Review status: criteria provided, single submitter. Criteria: Invitae Variant Classification Sherloc (09022015). Collection method: clinical testing. Allele origin: germline.
Comment: This sequence change replaces threonine, which is neutral and polar, with isoleucine, which is neutral and non-polar, at codon 58 of the STAT5B protein (p.Thr58Ile). This variant is present in population databases (rs763601763, gnomAD 0.003%). This variant has not been reported in the literature in individuals affected with STAT5B-related conditions. ClinVar contains an entry for this variant (Variation ID: 2647785). Advanced modeling of protein sequence and biophysical properties (such as structural, functional, and spatial information, amino acid conservation, physicochemical variation, residue mobility, and thermodynamic stability) performed at Invitae indicates that this missense variant is not expected to disrupt STAT5B protein function with a negative predictive value of 80%. In summary, the available evidence is currently insufficient to determine the role of this variant in disease. Therefore, it has been classified as a Variant of Uncertain Significance.

NM_012448.4(STAT5B):c.173C>T (p.Thr58Ile)

Gene: STAT5B (signal transducer and activator of transcription 5B; minus strand). Cytogenetic location: 17q21.2.
Variant type: single nucleotide variant.
Coding change: c.173C>T on transcript NM_012448.4 (MANE Select); coding-DNA position 173, C replaced by T.
Protein change: p.Thr58Ile; replaces threonine 58 with isoleucine.
Molecular consequence: missense variant.
Genome position (GRCh38, 1-based): chr17:42,227,641, G>A on the plus strand (C>T on the coding strand, the complement: STAT5B is on the minus strand). VCF-style: chr17-42227641-G-A. GRCh37 (hg19) VCF-style: chr17-40379659-G-A.
Other names: short protein forms T58I.
Identifiers: ClinVar variation 2647785 (VCV002647785.26), dbSNP rs763601763, ClinGen allele CA8574352.